The following is an entry in ClinVar:

ClinVar aggregate classification (germline): Uncertain significance (1 of 4 stars; one submission).

Allele frequency attached by ClinVar (database versions not stated): gnomAD 0.00001; gnomAD exomes 0.00001; TOPMed 0.00001; ExAC 0.00002.
gnomAD v4.1: 15 of 1,613,968 alleles (0.00093%); highest among the groups gnomAD compares: African/African-American, 0.0027%; no homozygotes.

Submission:

Labcorp Genetics (formerly Invitae), Labcorp
Classification: Uncertain significance. Last evaluated: 2023-10-13. Review status: criteria provided, single submitter. Criteria: Invitae Variant Classification Sherloc (09022015). Collection method: clinical testing. Allele origin: germline.
Comment: This sequence change replaces serine, which is neutral and polar, with leucine, which is neutral and non-polar, at codon 162 of the TK2 protein (p.Ser162Leu). This variant is present in population databases (rs774806103, gnomAD 0.002%). This variant has not been reported in the literature in individuals affected with TK2-related conditions. ClinVar contains an entry for this variant (Variation ID: 1466243). Advanced modeling of protein sequence and biophysical properties (such as structural, functional, and spatial information, amino acid conservation, physicochemical variation, residue mobility, and thermodynamic stability) performed at Invitae indicates that this missense variant is not expected to disrupt TK2 protein function. In summary, the available evidence is currently insufficient to determine the role of this variant in disease. Therefore, it has been classified as a Variant of Uncertain Significance.

NM_004614.5(TK2):c.485C>T (p.Ser162Leu)

Gene: TK2 (thymidine kinase 2; minus strand). Cytogenetic location: 16q21.
Variant type: single nucleotide variant.
Coding change: c.485C>T on transcript NM_004614.5 (MANE Select); coding-DNA position 485, C replaced by T.
Protein change: p.Ser162Leu; replaces serine 162 with leucine.
Molecular consequence: missense variant. On other transcripts: non-coding transcript variant (1), intron variant (1).
Genome position (GRCh38, 1-based): chr16:66,517,842, G>A on the plus strand (C>T on the coding strand, the complement: TK2 is on the minus strand). VCF-style: chr16-66517842-G-A. GRCh37 (hg19) VCF-style: chr16-66551745-G-A.
Other names: c.392C>T, p.Ser131Leu (NM_001172643.1); c.410C>T, p.Ser137Leu (NM_001172644.2); c.431C>T, p.Ser144Leu (NM_001172645.2); c.338C>T, p.Ser113Leu (NM_001271934.2); c.194C>T, p.Ser65Leu (NM_001272050.2); c.357-4031C>T (NM_001271935.1); short protein forms S144L, S162L, S65L, S131L, S113L, S137L.
Identifiers: ClinVar variation 1466243 (VCV001466243.4), dbSNP rs774806103, ClinGen allele CA8093657.